The following is an entry in ClinVar:

ClinVar aggregate classification (germline): Uncertain significance (1 of 4 stars; one submission).

gnomAD v4.1: 10 of 1,613,776 alleles (0.00062%); highest among the groups gnomAD compares: Non-Finnish European, 0.00025%; no homozygotes.

Submission:

Labcorp Genetics (formerly Invitae), Labcorp
Classification: Uncertain significance. Last evaluated: 2025-12-31. Review status: criteria provided, single submitter. Criteria: Invitae Variant Classification Sherloc (09022015). Collection method: clinical testing. Allele origin: germline.
Comment: This sequence change replaces phenylalanine, which is neutral and non-polar, with leucine, which is neutral and non-polar, at codon 1375 of the A2ML1 protein (p.Phe1375Leu). This variant is present in population databases (rs748390950, gnomAD 0.009%). This variant has not been reported in the literature in individuals affected with A2ML1-related conditions. ClinVar contains an entry for this variant (Variation ID: 3668381). An algorithm developed to predict the effect of missense changes on protein structure and function (PolyPhen-2) suggests that this variant is likely to be disruptive. In summary, the available evidence is currently insufficient to determine the role of this variant in disease. Therefore, it has been classified as a Variant of Uncertain Significance.

NM_144670.6(A2ML1):c.4125C>G (p.Phe1375Leu)

Gene: A2ML1 (alpha-2-macroglobulin like 1; plus strand). Cytogenetic location: 12p13.31.
Variant type: single nucleotide variant.
Coding change: c.4125C>G on transcript NM_144670.6 (MANE Select); coding-DNA position 4125, C replaced by G.
Protein change: p.Phe1375Leu; replaces phenylalanine 1375 with leucine.
Molecular consequence: missense variant.
Genome position (GRCh38, 1-based): chr12:8,868,600, C>G. VCF-style: chr12-8868600-C-G. GRCh37 (hg19) VCF-style: chr12-9021196-C-G.
Other names: c.2652C>G, p.Phe884Leu (NM_001282424.3); short protein forms F1375L, F884L.
Identifiers: ClinVar variation 3668381 (VCV003668381.2).
Genomic context (GRCh38, chr12:8,868,600, plus strand): 5'-TGTGGGGAGCCGTAGCTCTTCCAATATGGCTATTGTGGAAGTGAAGATGCTATCTGGGTT[C>G]AGTCCCATGGAGGGCACCAATCAGTTAGTAAGTTACTTCTGTTTTCTTCATTTATCTAGC-3'
Protein context (NP_653271.3, residues 1365-1385): AIVEVKMLSG[Phe1375Leu]SPMEGTNQLL